The following is an entry in ClinVar:

ClinVar aggregate classification (germline): Uncertain significance (1 of 4 stars; one submission).

Submission:

Labcorp Genetics (formerly Invitae), Labcorp
Classification: Uncertain significance. Last evaluated: 2021-10-19. Review status: criteria provided, single submitter. Criteria: Invitae Variant Classification Sherloc (09022015). Collection method: clinical testing. Allele origin: germline.
Comment: In summary, the available evidence is currently insufficient to determine the role of this variant in disease. Therefore, it has been classified as a Variant of Uncertain Significance. Experimental studies and prediction algorithms are not available or were not evaluated, and the functional significance of this variant is currently unknown. This variant has not been reported in the literature in individuals affected with MSH3-related conditions. This variant is a gross deletion of the genomic region encompassing exon(s) 11-12 of the MSH3 gene. This variant would be expected to be in-frame, preserving the integrity of the reading frame.

NC_000005.9:g.(?_80037273)_(80040444_?)del

Gene: MSH3 (mutS homolog 3; plus strand). Cytogenetic location: 5q14.1.
Variant type: Deletion.
Identifiers: ClinVar variation 2424437 (VCV002424437.3).